The following is an entry in ClinVar:

NM_001291415.2(KDM6A):c.1684A>G (p.Met562Val)

Gene: KDM6A (lysine demethylase 6A; plus strand). Cytogenetic location: Xp11.3.
Variant type: single nucleotide variant.
Coding change: c.1684A>G on transcript NM_001291415.2 (MANE Select); coding-DNA position 1684, A replaced by G.
Protein change: p.Met562Val; replaces methionine 562 with valine.
Molecular consequence: missense variant. On other transcripts: non-coding transcript variant (1).
Genome position (GRCh38, 1-based): chrX:45,063,422, A>G. VCF-style: chrX-45063422-A-G. GRCh37 (hg19) VCF-style: chrX-44922667-A-G.
Other names: c.1549A>G, p.Met517Val (NM_001291416.2, NM_001419811.1); c.1393A>G, p.Met465Val (NM_001291417.2); c.1291A>G, p.Met431Val (NM_001291418.2, NM_001419815.1); c.640A>G, p.Met214Val (NM_001291421.2); c.1426A>G, p.Met476Val (NM_001410742.1, NM_001419814.1); c.1684A>G, p.Met562Val (NM_001419809.1); c.1582A>G, p.Met528Val (NM_001419810.1, NM_001419813.1); c.1528A>G, p.Met510Val (NM_001419812.1, NM_021140.4); short protein forms M431V, M510V, M528V, M562V, M214V, M465V, M476V, M517V.
Identifiers: ClinVar variation 4091373 (VCV004091373.2).

ClinVar aggregate classification (germline): Uncertain significance. Review status: criteria provided, multiple submitters, no conflicts (2 of 4 stars). 2 submissions from 2 submitters: Uncertain significance (2). Last evaluated 2025-08-30.

Conditions:
Kabuki syndrome 2 (KABUK2). Also called: KDM6A-Related Kabuki Syndrome. Identifiers: Orphanet 2322, MedGen C3275495, MONDO:0010465, OMIM 300867.
Inborn genetic diseases. Identifiers: MedGen C0950123, MeSH D030342.

Submissions (2):

Ambry Genetics
Classification: Uncertain significance for Inborn genetic diseases. Last evaluated: 2025-08-30. Review status: criteria provided, single submitter. Criteria: Ambry Variant Classification Scheme 2023. Collection method: clinical testing. Allele origin: germline.

Labcorp Genetics (formerly Invitae), Labcorp
Classification: Uncertain significance for Kabuki syndrome 2. Last evaluated: 2025-05-29. Review status: criteria provided, single submitter. Criteria: Invitae Variant Classification Sherloc (09022015). Collection method: clinical testing. Allele origin: germline.
Comment: This sequence change replaces methionine, which is neutral and non-polar, with valine, which is neutral and non-polar, at codon 510 of the KDM6A protein (p.Met510Val). This variant is not present in population databases (gnomAD no frequency). This variant has not been reported in the literature in individuals affected with KDM6A-related conditions. An algorithm developed to predict the effect of missense changes on protein structure and function outputs the following: PolyPhen-2: "Benign". The valine amino acid residue is found in multiple mammalian species, which suggests that this missense change does not adversely affect protein function. In summary, the available evidence is currently insufficient to determine the role of this variant in disease. Therefore, it has been classified as a Variant of Uncertain Significance.